The following is an entry in ClinVar:

ClinVar aggregate classification (germline): Uncertain significance (1 of 4 stars; one submission).

Conditions:
Erythrocytosis, familial, 3 (ECYT3). Identifiers: Orphanet 247511, MedGen C1853286, MONDO:0012353, OMIM 609820.

Submission:

Labcorp Genetics (formerly Invitae), Labcorp
Classification: Uncertain significance for Erythrocytosis, familial, 3. Last evaluated: 2022-01-31. Review status: criteria provided, single submitter. Criteria: Invitae Variant Classification Sherloc (09022015). Collection method: clinical testing. Allele origin: germline.
Comment: This variant is not present in population databases (gnomAD no frequency). In summary, the available evidence is currently insufficient to determine the role of this variant in disease. Therefore, it has been classified as a Variant of Uncertain Significance. Algorithms developed to predict the effect of missense changes on protein structure and function (SIFT, PolyPhen-2, Align-GVGD) all suggest that this variant is likely to be tolerated. This variant has not been reported in the literature in individuals affected with EGLN1-related conditions. This sequence change replaces glutamic acid, which is acidic and polar, with valine, which is neutral and non-polar, at codon 143 of the EGLN1 protein (p.Glu143Val).

NM_022051.3(EGLN1):c.428A>T (p.Glu143Val)

Gene: EGLN1 (egl-9 family hypoxia inducible factor 1; minus strand). Cytogenetic location: 1q42.2.
Variant type: single nucleotide variant.
Coding change: c.428A>T on transcript NM_022051.3 (MANE Select); coding-DNA position 428, A replaced by T.
Protein change: p.Glu143Val; replaces glutamic acid 143 with valine.
Molecular consequence: missense variant.
Genome position (GRCh38, 1-based): chr1:231,421,461, T>A on the plus strand (A>T on the coding strand, the complement: EGLN1 is on the minus strand). VCF-style: chr1-231421461-T-A. GRCh37 (hg19) VCF-style: chr1-231557207-T-A.
Other names: c.428A>T, p.Glu143Val (NM_001377260.1, NM_001377261.1); short protein forms E143V.
Identifiers: ClinVar variation 2091181 (VCV002091181.4), dbSNP rs2102947619, ClinGen allele CA345237082.
Genomic context (GRCh38, chr1:231,421,461, plus strand): 5'-TACAGGTTCGCCTTCTCCTGGAACAGCGATGAGCGGGCCGGCGGCTCCTCCTTGCCGGGC[T>A]CGGCTTCGGCAGCCACCGCCGAGCCCTGGCCGCCGGCGGCCGCACGACACGGCGACGCGG-3'
Protein context (NP_071334.1, residues 133-153): GQGSAVAAEA[Glu143Val]PGKEEPPARS